The following is an entry in ClinVar:

NM_001379610.1(SPINK1):c.195-70_195-67dup

Gene: SPINK1 (serine peptidase inhibitor Kazal type 1; minus strand). Cytogenetic location: 5q32.
Variant type: Duplication.
Coding change: c.195-70_195-67dup on transcript NM_001379610.1 (MANE Select); 70 bases into the intron before coding-DNA position 195 through 67 bases into the intron before coding-DNA position 195, 4 bases duplicated (TTTT; older notation c.195-70_195-67dupTTTT).
Molecular consequence: intron variant.
Genome position (GRCh38, 1-based): chr5:147,824,772-147,824,775, AAAA duplicated on the plus strand (TTTT on the coding strand, the reverse complement: SPINK1 is on the minus strand); duplicating any 4 consecutive bases within chr5:147,824,772-147,824,776 gives the same sequence; the c. name uses the placement nearest the transcript's 3' end. VCF-style (leftmost placement, unchanged base first): chr5-147824771-G-GAAAA. GRCh37 (hg19) VCF-style: chr5-147204334-G-GAAAA.
Other names: c.195-70_195-67dup (NM_003122.5, NM_001354966.2).
Identifiers: ClinVar variation 1165320 (VCV001165320.38), dbSNP rs554919880, ClinGen allele CA129689670.

ClinVar aggregate classification (germline): Benign. Review status: criteria provided, multiple submitters, no conflicts (2 of 4 stars). 3 submissions from 3 submitters: Benign (3). Last evaluated 2026-08-01.

Conditions:
Hereditary pancreatitis (PCTT). Also called: Hereditary chronic pancreatitis; PRSS1-Related Hereditary Pancreatitis. Identifiers: Orphanet 676, MedGen C0238339, MONDO:0008185, OMIM 167800.

Submissions (3):

CeGaT Center for Human Genetics Tuebingen
Classification: Benign. Last evaluated: 2026-08-01. Review status: criteria provided, single submitter. Criteria: CeGaT Center For Human Genetics Tuebingen Variant Classification Criteria Version 2. Collection method: clinical testing. Allele origin: germline. Affected: yes. Observed: 13 variant alleles.
Comment: SPINK1: BS1, BS2

Sema4
Classification: Benign for Hereditary pancreatitis. Last evaluated: 2020-12-02. Review status: criteria provided, single submitter. Criteria: Sema4 Curation Guidelines. Collection method: curation. Allele origin: germline.

Labcorp Genetics (formerly Invitae), Labcorp
Classification: Benign for Hereditary pancreatitis. Last evaluated: 2020-11-16. Review status: criteria provided, single submitter. Criteria: Invitae Variant Classification Sherloc (09022015). Collection method: clinical testing. Allele origin: germline.